The following is an entry in ClinVar:

ClinVar aggregate classification (germline): Uncertain significance (1 of 4 stars; one submission).

Submission:

Women's Health and Genetics/Laboratory Corporation of America, LabCorp
Classification: Uncertain significance. Last evaluated: 2024-05-23. Review status: criteria provided, single submitter. Criteria: LabCorp Variant Classification Summary - May 2015. Collection method: clinical testing. Allele origin: germline.
Comment: Variant summary: FOXRED1 c.473G>T (p.Gly158Val) results in a non-conservative amino acid change located in the FAD dependent oxidoreductase domain (IPR006076) of the encoded protein sequence. Five of five in-silico tools predict a damaging effect of the variant on protein function. The variant was absent in 251194 control chromosomes. The available data on variant occurrences in the general population are insufficient to allow any conclusion about variant significance. c.473G>T has been reported in the literature in at least one homozygous individual affected with clinical features of FOXRED1-related conditions (e.g., Hiz Kurul_2022). However, these report(s) do not provide unequivocal conclusions about association of the variant with FOXRED1-related conditions. To our knowledge, no experimental evidence demonstrating an impact on protein function has been reported. The following publication has been ascertained in the context of this evaluation (PMID: 34791078). No submitters have cited clinical-significance assessments for this variant to ClinVar. Based on the evidence outlined above, the variant was classified as uncertain significance.

Literature cited by the submitters: PubMed 34791078.

NM_017547.4(FOXRED1):c.473G>T (p.Gly158Val)

Gene: FOXRED1 (FAD dependent oxidoreductase domain containing 1; plus strand). Cytogenetic location: 11q24.2.
Variant type: single nucleotide variant.
Coding change: c.473G>T on transcript NM_017547.4 (MANE Select); coding-DNA position 473, G replaced by T.
Protein change: p.Gly158Val; replaces glycine 158 with valine.
Molecular consequence: missense variant. On other transcripts: non-coding transcript variant (2).
Genome position (GRCh38, 1-based): chr11:126,273,391, G>T. VCF-style: chr11-126273391-G-T. GRCh37 (hg19) VCF-style: chr11-126143286-G-T.
Other names: short protein forms G158V.
Identifiers: ClinVar variation 3336418 (VCV003336418.1).